The following is an entry in ClinVar:

NM_001127222.2(CACNA1A):c.5419G>A (p.Ala1807Thr)

Gene: CACNA1A (calcium voltage-gated channel subunit alpha1 A; minus strand). Cytogenetic location: 19p13.13.
Variant type: single nucleotide variant.
Coding change: c.5419G>A on transcript NM_001127222.2 (MANE Select); coding-DNA position 5419, G replaced by A.
Protein change: p.Ala1807Thr; replaces alanine 1807 with threonine.
Molecular consequence: missense variant.
Genome position (GRCh38, 1-based): chr19:13,230,191, C>T on the plus strand (G>A on the coding strand, the complement: CACNA1A is on the minus strand). VCF-style: chr19-13230191-C-T. GRCh37 (hg19) VCF-style: chr19-13341005-C-T.
Other names: c.5437G>A, p.Ala1813Thr (NM_000068.4, NM_023035.3); c.5422G>A, p.Ala1808Thr (NM_001127221.2); c.5428G>A, p.Ala1810Thr (NM_001174080.2); short protein forms A1808T, A1810T, A1813T, A1807T.
Identifiers: ClinVar variation 500851 (VCV000500851.48), dbSNP rs1555736565, ClinGen allele CA404333762.

ClinVar aggregate classification (germline): Conflicting classifications of pathogenicity. Review status: criteria provided, conflicting classifications (1 of 4 stars). 9 submissions from 9 submitters: Pathogenic (5); Likely pathogenic (3); Uncertain significance (1). Last evaluated 2026-10-22.

Conditions:
CACNA1A-related disorder. Also called: CACNA1A-related condition.
Developmental and epileptic encephalopathy, 42 (DEE42A). Also called: Epileptic encephalopathy, early infantile, 42; DEVELOPMENTAL AND EPILEPTIC ENCEPHALOPATHY 42A; EPILEPTIC ENCEPHALOPATHY, EARLY INFANTILE, 42A. Identifiers: MedGen C4310716, MONDO:0014917, OMIM 617106.
Episodic ataxia type 2 (EA2). Also called: EPISODIC ATAXIA, NYSTAGMUS-ASSOCIATED; ACETAZOLAMIDE-RESPONSIVE HEREDITARY PAROXYSMAL CEREBELLAR ATAXIA; ATAXIA, EPISODIC, WITH NYSTAGMUS; ATAXIA, FAMILIAL PAROXYSMAL; CEREBELLAR ATAXIA, PAROXYSMAL, ACETAZOLAMIDE-RESPONSIVE; CEREBELLOPATHY, HEREDITARY PAROXYSMAL. Identifiers: Orphanet 97, MedGen C1720416, MONDO:0007163, OMIM 108500.

Submissions (9):

GeneDx
Classification: Pathogenic. Last evaluated: 2026-10-22. Review status: criteria provided, single submitter. Criteria: GeneDx Variant Classification Process June 2021. Collection method: clinical testing. Allele origin: germline.
Comment: Not observed at significant frequency in large population cohorts (gnomAD); In silico analysis supports that this missense variant has a deleterious effect on protein structure/function; This variant is associated with the following publications: (PMID: 33278787, 34788679, 35722745, 35217970, 37422902, 38328757, 41518736)

CeGaT Center for Human Genetics Tuebingen
Classification: Pathogenic. Last evaluated: 2026-02-01. Review status: criteria provided, single submitter. Criteria: CeGaT Center For Human Genetics Tuebingen Variant Classification Criteria Version 2. Collection method: clinical testing. Allele origin: germline. Affected: yes. Observed: 2 variant alleles.
Comment: CACNA1A: PS2, PS4, PM2, PP2, PP3

Labcorp Genetics (formerly Invitae), Labcorp
Classification: Pathogenic for Developmental and epileptic encephalopathy, 42; Episodic ataxia type 2. Last evaluated: 2025-04-01. Review status: criteria provided, single submitter. Criteria: Invitae Variant Classification Sherloc (09022015). Collection method: clinical testing. Allele origin: germline.
Comment: This sequence change replaces alanine, which is neutral and non-polar, with threonine, which is neutral and polar, at codon 1808 of the CACNA1A protein (p.Ala1808Thr). This variant is not present in population databases (gnomAD no frequency). This missense change has been observed in individual(s) with clinical features of CACNA1A-related conditions (PMID: 33278787, 35217970; internal data). In at least one individual the variant was observed to be de novo. ClinVar contains an entry for this variant (Variation ID: 500851). Invitae Evidence Modeling of protein sequence and biophysical properties (such as structural, functional, and spatial information, amino acid conservation, physicochemical variation, residue mobility, and thermodynamic stability) indicates that this missense variant is expected to disrupt CACNA1A protein function with a positive predictive value of 95%. For these reasons, this variant has been classified as Pathogenic.

Blueprint Genetics
Classification: Pathogenic for CACNA1A-related disorders. Last evaluated: 2023-08-08. Review status: criteria provided, single submitter. Criteria: ACMG Guidelines, 2015. Collection method: clinical testing. Allele origin: germline. Affected: yes. Observed: 2 variant alleles.

Equipe Genetique des Anomalies du Developpement, Université de Bourgogne
Classification: Likely pathogenic for Developmental and epileptic encephalopathy, 42. Last evaluated: 2023-07-12. Review status: criteria provided, single submitter. Criteria: ACMG Guidelines, 2015. Collection method: clinical testing. Allele origin: paternal. Inheritance: Autosomal dominant inheritance. Affected: yes.

Institute of Medical Genetics and Applied Genomics, University Hospital Tübingen
Classification: Likely pathogenic for Developmental and epileptic encephalopathy, 42. Last evaluated: 2022-10-27. Review status: criteria provided, single submitter. Criteria: ACMG Guidelines, 2015. Collection method: clinical testing. Allele origin: germline. Inheritance: Autosomal dominant inheritance. Affected: yes.

Genetics and Molecular Pathology, SA Pathology
Classification: Likely pathogenic for Developmental and epileptic encephalopathy, 42. Last evaluated: 2022-05-10. Review status: criteria provided, single submitter. Criteria: ACMG Guidelines, 2015. Collection method: clinical testing. Allele origin: germline. Inheritance: Autosomal dominant inheritance. Affected: yes.
Comment: The CACNA1A c.5419G>A variant is classified as LIKELY PATHOGENIC (PS2, PM2, PP3) The CACNA1A c.5419G>A variant is a single nucleotide change in exon 36/47 of the CACNA1A gene, which is predicted to change the amino acid alanine at position 1807 in the protein to threonine. This variant has been reported in dbSNP (rs1555736565) but is absent from population databases (PM2). This variant has been reported as a variant of uncertain significance in ClinVar by another diagnostic laboratory (ClinVar Variation ID: 500851). Computational predictions support a deleterious effect on the gene or gene product (PP3).

Eurofins Ntd Llc (ga)
Classification: Uncertain significance. Last evaluated: 2017-03-20. Review status: criteria provided, single submitter. Criteria: EGL Classification Definitions 2015. Collection method: clinical testing. Allele origin: germline. Observed: 1 variant allele, 1 heterozygote.

Juno Genomics, Hangzhou Juno Genomics, Inc
Classification: Pathogenic for Developmental and epileptic encephalopathy, 42. Review status: criteria provided, single submitter. Criteria: ACMG Guidelines, 2015. Collection method: clinical testing. Allele origin: germline. Affected: yes.
Comment: Absent from controls (or at extremely low frequency if recessive) in Genome Aggregation Database, Exome Sequencing Project, 1000 Genomes Project, or Exome Aggregation Consortium.;Multiple lines of computational evidence support a deleterious effect on the gene or gene product (conservation, evolutionary, splicing impact, etc).;De novo (both maternity and paternity confirmed) in a patient with the disease and no family history.;The prevalence of the variant in affected individuals is significantly increased compared to the prevalence in controls.;Patient's phenotype or family history is highly specific for a disease with a single genetic etiology.;Missense variant in a gene that has a low rate of benign missense variation and where missense variants are a common mechanism of disease.

Literature cited by the submitters: PubMed 33278787 (cited by Labcorp Genetics (formerly Invitae), Labcorp); PubMed 35217970 (cited by Labcorp Genetics (formerly Invitae), Labcorp).